The following is an entry in ClinVar:

NM_032892.5(FRMD5):c.120G>T (p.Gln40His)

Gene: FRMD5 (FERM domain containing 5; minus strand). Cytogenetic location: 15q15.3.
Variant type: single nucleotide variant.
Coding change: c.120G>T on transcript NM_032892.5 (MANE Select); coding-DNA position 120, G replaced by T.
Protein change: p.Gln40His; replaces glutamine 40 with histidine.
Molecular consequence: missense variant. On other transcripts: 5 prime UTR variant (2), non-coding transcript variant (1), intron variant (1).
Genome position (GRCh38, 1-based): chr15:43,924,292, C>A on the plus strand (G>T on the coding strand, the complement: FRMD5 is on the minus strand). VCF-style: chr15-43924292-C-A. GRCh37 (hg19) VCF-style: chr15-44216490-C-A.
Other names: c.-148G>T (NM_001286490.2); c.-902G>T (NM_001286491.2); c.120G>T, p.Gln40His (NM_001322949.2, NM_001322950.2, NM_001411124.1); c.103-4483G>T (NM_001322951.2); short protein forms Q40H.
Identifiers: ClinVar variation 3902023 (VCV003902023.1).

ClinVar aggregate classification (germline): Uncertain significance (1 of 4 stars; one submission).

Conditions:
Neurodevelopmental disorder with eye movement abnormalities and ataxia. Identifiers: MedGen C5774241, MONDO:0859305, OMIM 620094.

gnomAD v4.1: 3 of 1,613,604 alleles (0.00019%); highest among the groups gnomAD compares: Admixed American, 0.005%; no homozygotes.

Submission:

Laboratorio de Genetica e Diagnostico Molecular, Hospital Israelita Albert Einstein
Classification: Uncertain significance for Neurodevelopmental disorder with eye movement abnormalities and ataxia. Last evaluated: 2024-11-07. Review status: criteria provided, single submitter. Criteria: ACMG Guidelines, 2015. Collection method: clinical testing. Allele origin: germline. Affected: yes.
Comment: ACMG classification criteria: PM2 supporting